The following is an entry in ClinVar:

ClinVar aggregate classification (germline): Uncertain significance. Review status: criteria provided, multiple submitters, no conflicts (2 of 4 stars). 2 submissions from 2 submitters: Uncertain significance (2). Last evaluated 2026-02-15.

Conditions:
Fanconi anemia complementation group J. Also called: BRIP1-Related Fanconi Anemia. Identifiers: Orphanet 84, MedGen C1836860, MONDO:0012187, OMIM 609054.
Familial cancer of breast. Also called: Hereditary breast cancer; hereditary breast carcinoma; BREAST CANCER, FAMILIAL. Identifiers: Orphanet 227535, MedGen C0346153, MONDO:0016419, OMIM 114480. Disease mechanism: loss of function.
Hereditary cancer-predisposing syndrome. Also called: Neoplastic Syndromes, Hereditary; Hereditary neoplastic syndrome; Tumor predisposition; Hereditary Cancer Syndrome. Identifiers: Orphanet 140162, MedGen C0027672, MeSH D009386, MONDO:0015356.

gnomAD v4.1: 1 of 1,613,996 alleles (0.000062%); highest among the groups gnomAD compares: Non-Finnish European, 0.000085%; no homozygotes.

Submissions (2):

Ambry Genetics
Classification: Uncertain significance for Hereditary cancer-predisposing syndrome. Last evaluated: 2026-02-15. Review status: criteria provided, single submitter. Criteria: Ambry Variant Classification Scheme 2023. Collection method: clinical testing. Allele origin: germline.
Comment: The p.G1065R variant (also known as c.3193G>A), located in coding exon 19 of the BRIP1 gene, results from a G to A substitution at nucleotide position 3193. The glycine at codon 1065 is replaced by arginine, an amino acid with dissimilar properties. This amino acid position is conserved. In addition, this alteration is predicted to be tolerated by in silico analysis. Based on the available evidence, the clinical significance of this variant remains unclear.

Labcorp Genetics (formerly Invitae), Labcorp
Classification: Uncertain significance for Familial cancer of breast; Fanconi anemia complementation group J. Last evaluated: 2026-02-03. Review status: criteria provided, single submitter. Criteria: Invitae Variant Classification Sherloc (09022015). Collection method: clinical testing. Allele origin: germline.
Comment: This sequence change replaces glycine, which is neutral and non-polar, with arginine, which is basic and polar, at codon 1065 of the BRIP1 protein (p.Gly1065Arg). This variant is not present in population databases (gnomAD no frequency). This variant has not been reported in the literature in individuals affected with BRIP1-related conditions. Invitae Evidence Modeling of protein sequence and biophysical properties (such as structural, functional, and spatial information, amino acid conservation, physicochemical variation, residue mobility, and thermodynamic stability) indicates that this missense variant is not expected to disrupt BRIP1 protein function with a negative predictive value of 95%. In summary, the available evidence is currently insufficient to determine the role of this variant in disease. Therefore, it has been classified as a Variant of Uncertain Significance.

NM_032043.3(BRIP1):c.3193G>A (p.Gly1065Arg)

Gene: BRIP1 (BRCA1 interacting DNA helicase 1; minus strand). Cytogenetic location: 17q23.2.
Variant type: single nucleotide variant.
Coding change: c.3193G>A on transcript NM_032043.3 (MANE Select); coding-DNA position 3193, G replaced by A.
Protein change: p.Gly1065Arg; replaces glycine 1065 with arginine.
Molecular consequence: missense variant.
Genome position (GRCh38, 1-based): chr17:61,683,853, C>T on the plus strand (G>A on the coding strand, the complement: BRIP1 is on the minus strand). VCF-style: chr17-61683853-C-T. GRCh37 (hg19) VCF-style: chr17-59761214-C-T.
Other names: short protein forms G1065R.
Identifiers: ClinVar variation 4783559 (VCV004783559.2).